The following is an entry in ClinVar:

ClinVar aggregate classification (germline): Uncertain significance. Review status: criteria provided, multiple submitters, no conflicts (2 of 4 stars). 2 submissions from 2 submitters: Uncertain significance (2). Last evaluated 2025-06-03.

Conditions:
Inborn genetic diseases. Identifiers: MedGen C0950123, MeSH D030342.

Allele frequency attached by ClinVar (database versions not stated): gnomAD exomes below 0.00001.
gnomAD v4.1: 1 of 1,208,067 alleles (0.000083%); highest among the groups gnomAD compares: Non-Finnish European, 0.00011%; no homozygotes.

Submissions (2):

GeneDx
Classification: Uncertain significance. Last evaluated: 2025-06-03. Review status: criteria provided, single submitter. Criteria: GeneDx Variant Classification Process June 2021. Collection method: clinical testing. Allele origin: germline. Affected: yes.
Comment: Not observed at significant frequency in large population cohorts (gnomAD); Missense variants in this gene are a common cause of disease and they are underrepresented in the general population; In silico analysis suggests that this missense variant does not alter protein structure/function; Has not been previously published as pathogenic or benign to our knowledge

Ambry Genetics
Classification: Uncertain significance for Inborn genetic diseases. Last evaluated: 2023-03-28. Review status: criteria provided, single submitter. Criteria: Ambry Variant Classification Scheme 2023. Collection method: clinical testing. Allele origin: germline.

NM_006306.4(SMC1A):c.376A>G (p.Ile126Val)

Gene: SMC1A (structural maintenance of chromosomes 1A; minus strand). Cytogenetic location: Xp11.22.
Variant type: single nucleotide variant.
Coding change: c.376A>G on transcript NM_006306.4 (MANE Select); coding-DNA position 376, A replaced by G.
Protein change: p.Ile126Val; replaces isoleucine 126 with valine.
Molecular consequence: missense variant.
Genome position (GRCh38, 1-based): chrX:53,414,793, T>C on the plus strand (A>G on the coding strand, the complement: SMC1A is on the minus strand). VCF-style: chrX-53414793-T-C. GRCh37 (hg19) VCF-style: chrX-53441742-T-C.
Other names: c.310A>G, p.Ile104Val (NM_001281463.1); short protein forms I104V, I126V.
Identifiers: ClinVar variation 2530329 (VCV002530329.3), dbSNP rs2520969362, ClinGen allele CA413131501.